The following is an entry in ClinVar:

ClinVar aggregate classification (germline): Likely benign. Review status: criteria provided, single submitter (1 of 4 stars). 2 submissions from 2 submitters: Likely benign (1). 1 of the submissions does not count toward it. Last evaluated 2016-12-22.

Conditions:
KATNAL2-related disorder. Also called: KATNAL2-related condition.

Allele frequency attached by ClinVar (database versions not stated): gnomAD exomes 0.00042 and 0.00077; ExAC 0.00093; gnomAD 0.00220 and 0.00232; TOPMed 0.00231; 1000 Genomes Project 0.00240; 1000 Genomes Project 30x 0.00250; ESP Exome Variant Server 0.00400.
gnomAD v4.1: 937 of 1,614,080 alleles (0.058%); highest among the groups gnomAD compares: African/African-American, 0.79%; 5 homozygotes.

Submissions (2):

Ambry Genetics
Classification: Likely benign. Last evaluated: 2016-12-22. Review status: criteria provided, single submitter. Criteria: Ambry Variant Classification Scheme 2023. Collection method: clinical testing. Allele origin: germline.

PreventionGenetics, part of Exact Sciences
Classification: Likely benign for KATNAL2-related condition. Last evaluated: 2024-02-16. Review status: no assertion criteria provided. Collection method: clinical testing. Allele origin: germline. Not counted in ClinVar's aggregate classification.
Comment: This variant is classified as likely benign based on ACMG/AMP sequence variant interpretation guidelines (Richards et al. 2015 PMID: 25741868, with internal and published modifications).

NM_001387690.1(KATNAL2):c.1260C>T (p.Val420=)

Gene: KATNAL2 (katanin catalytic subunit A1 like 2; plus strand). Cytogenetic location: 18q21.1.
Variant type: single nucleotide variant.
Coding change: c.1260C>T on transcript NM_001387690.1 (MANE Select); coding-DNA position 1260, C replaced by T.
Protein change: p.Val420=; no amino-acid change (valine 420 retained).
Molecular consequence: synonymous variant. On other transcripts: non-coding transcript variant (1).
Genome position (GRCh38, 1-based): chr18:47,099,291, C>T. VCF-style: chr18-47099291-C-T. GRCh37 (hg19) VCF-style: chr18-44625662-C-T.
Other names: c.1338C>T, p.Val446= (NM_001353899.1); c.1335C>T, p.Val445= (NM_001353900.1); c.927C>T, p.Val309= (NM_001353903.1); c.828C>T, p.Val276= (NM_001353904.1); c.1260C>T, p.Val420= (NM_001367621.1); c.1044C>T, p.Val348= (NM_031303.3).
Identifiers: ClinVar variation 589724 (VCV000589724.7), dbSNP rs138624868, ClinGen allele CA8955295.